The following is an entry in ClinVar:

ClinVar aggregate classification (germline): Uncertain significance (1 of 4 stars; one submission).

Conditions:
Genitopatellar syndrome (GTPTS). Also called: Genitopatellar syndrome (GPS); ABSENT PATELLAE, SCROTAL HYPOPLASIA, RENAL ANOMALIES, FACIAL DYSMORPHISM, AND MENTAL RETARDATION. Identifiers: Orphanet 85201, MedGen C1853566, MONDO:0011640, OMIM 606170.

Submission:

Labcorp Genetics (formerly Invitae), Labcorp
Classification: Uncertain significance for Genitopatellar syndrome. Last evaluated: 2021-09-09. Review status: criteria provided, single submitter. Criteria: Invitae Variant Classification Sherloc (09022015). Collection method: clinical testing. Allele origin: germline.
Comment: In summary, the available evidence is currently insufficient to determine the role of this variant in disease. Therefore, it has been classified as a Variant of Uncertain Significance. Experimental studies and prediction algorithms are not available or were not evaluated, and the functional significance of this variant is currently unknown. This variant has not been reported in the literature in individuals affected with KAT6B-related conditions. This variant is not present in population databases (ExAC no frequency). This variant, c.4088_4105dup, results in the insertion of 6 amino acid(s) to the KAT6B protein (p.Glu1363_Glu1368dup), but otherwise preserves the integrity of the reading frame.

NM_012330.4(KAT6B):c.4079AAGAGGAAG[5] (p.Glu1363_Glu1368dup)

Gene: KAT6B (lysine acetyltransferase 6B; plus strand). Cytogenetic location: 10q22.2.
Variant type: Microsatellite.
Coding change: c.4079AAGAGGAAG[5] on transcript NM_012330.4 (MANE Select); five copies in a row of the 9-base unit AAGAGGAAG starting at c.4079; the reference has three copies in a row; two copies, 18 bases duplicated.
Protein change: p.Glu1363_Glu1368dup.
Molecular consequence: inframe insertion.
Genome position (GRCh38, 1-based): chr10:75,028,912-75,028,929, AAGAGGAAGAAGAGGAAG duplicated; duplicating any 18 consecutive bases within chr10:75,028,902-75,028,929 gives the same sequence; the position shown is the placement nearest the transcript's 3' end. VCF-style (leftmost placement, unchanged base first): chr10-75028901-G-GGAAGAGGAAGAAGAGGAA. GRCh37 (hg19) VCF-style: chr10-76788659-G-GGAAGAGGAAGAAGAGGAA.
Other names: c.3530AAGAGGAAG[5], p.Glu1180_Glu1185dup (NM_001256468.2, NM_001370138.1); c.3203AAGAGGAAG[5], p.Glu1071_Glu1076dup (NM_001256469.2, NM_001370139.1, NM_001370140.1 and 2 more transcripts); c.3041AAGAGGAAG[5], p.Glu1017_Glu1022dup (NM_001370132.1); c.2390AAGAGGAAG[5], p.Glu800_Glu805dup (NM_001370133.1); c.1994AAGAGGAAG[5], p.Glu668_Glu673dup (NM_001370134.1); c.1736AAGAGGAAG[5], p.Glu582_Glu587dup (NM_001370135.1); c.4079AAGAGGAAG[5], p.Glu1363_Glu1368dup (NM_001370136.1, NM_001370137.1); c.3014AAGAGGAAG[5], p.Glu1008_Glu1013dup (NM_001370143.1, NM_001370144.1).
Identifiers: ClinVar variation 1385810 (VCV001385810.6), dbSNP rs375513122, ClinGen allele CA668390792.